The following is an entry in ClinVar:

ClinVar aggregate classification (germline): Likely benign (0 of 4 stars; one submission).

Conditions:
ADSS1-related disorder. Also called: ADSS1-related condition.

Allele frequency attached by ClinVar (database versions not stated): gnomAD 0.00002; TOPMed 0.00002; gnomAD exomes 0.00003.

Submission:

PreventionGenetics, part of Exact Sciences
Classification: Likely benign for ADSS1-related condition. Last evaluated: 2019-06-21. Review status: no assertion criteria provided. Collection method: clinical testing. Allele origin: germline.
Comment: This variant is classified as likely benign based on ACMG/AMP sequence variant interpretation guidelines (Richards et al. 2015 PMID: 25741868, with internal and published modifications).

NM_152328.5(ADSS1):c.*2C>T

Gene: ADSS1 (adenylosuccinate synthase 1; plus strand). Cytogenetic location: 14q32.33.
Variant type: single nucleotide variant.
Coding change: c.*2C>T on transcript NM_152328.5 (MANE Select); 2 bases downstream of the stop codon, C replaced by T.
Molecular consequence: 3 prime UTR variant.
Genome position (GRCh38, 1-based): chr14:104,747,005, C>T. VCF-style: chr14-104747005-C-T. GRCh37 (hg19) VCF-style: chr14-105213342-C-T.
Other names: c.*2C>T (NM_001320424.1, NM_199165.2).
Identifiers: ClinVar variation 3043333 (VCV003043333.2), dbSNP rs1466078054, ClinGen allele CA488460856.